The following is an entry in ClinVar:

NM_004943.2(DMWD):c.1251G>A (p.Pro417=)

Gene: DMWD (DM1 locus, WD repeat containing; minus strand). Cytogenetic location: 19q13.32.
Variant type: single nucleotide variant.
Coding change: c.1251G>A on transcript NM_004943.2 (MANE Select); coding-DNA position 1251, G replaced by A.
Protein change: p.Pro417=; no amino-acid change (proline 417 retained).
Molecular consequence: synonymous variant.
Genome position (GRCh38, 1-based): chr19:45,786,245, C>T on the plus strand (G>A on the coding strand, the complement: DMWD is on the minus strand). VCF-style: chr19-45786245-C-T. GRCh37 (hg19) VCF-style: chr19-46289503-C-T.
Identifiers: ClinVar variation 3055630 (VCV003055630.2), dbSNP rs8109951, ClinGen allele CA9522116.

ClinVar aggregate classification (germline): Benign (0 of 4 stars; one submission).

Conditions:
DMWD-related disorder. Also called: DMWD-related condition.

Allele frequency attached by ClinVar (database versions not stated): 1000 Genomes Project 0.29054; 1000 Genomes Project 30x 0.29107; TOPMed 0.31830; ExAC 0.32466; gnomAD 0.32533; ESP Exome Variant Server 0.33597.

Submission:

PreventionGenetics, part of Exact Sciences
Classification: Benign for DMWD-related condition. Last evaluated: 2019-10-30. Review status: no assertion criteria provided. Collection method: clinical testing. Allele origin: germline.
Comment: This variant is classified as benign based on ACMG/AMP sequence variant interpretation guidelines (Richards et al. 2015 PMID: 25741868, with internal and published modifications).